The following is an entry in ClinVar:

ClinVar aggregate classification (germline): Uncertain significance. Review status: criteria provided, multiple submitters, no conflicts (2 of 4 stars). 3 submissions from 3 submitters: Uncertain significance (3). Last evaluated 2025-12-08.

Conditions:
Inborn genetic diseases. Identifiers: MedGen C0950123, MeSH D030342.
Ullrich congenital muscular dystrophy 1A. Also called: Intermediate COL6-RD; Ullrich congenital muscular dystrophy 1. Identifiers: Orphanet 75840, MedGen C0410179, MONDO:0009681, OMIM 254090.
Bethlem myopathy 1A. Also called: Bethlem Muscular Dystrophy; MYOPATHY, BENIGN CONGENITAL, WITH CONTRACTURES; Bethlem myopathy 1. Identifiers: Orphanet 610, MedGen CN029274, MONDO:0024530, OMIM 158810.

Allele frequency attached by ClinVar (database versions not stated): gnomAD 0.00001; TOPMed 0.00001.

Submissions (3):

Labcorp Genetics (formerly Invitae), Labcorp
Classification: Uncertain significance for Bethlem myopathy 1A. Last evaluated: 2025-12-08. Review status: criteria provided, single submitter. Criteria: Invitae Variant Classification Sherloc (09022015). Collection method: clinical testing. Allele origin: germline.
Comment: This sequence change replaces glycine, which is neutral and non-polar, with serine, which is neutral and polar, at codon 1229 of the COL6A3 protein (p.Gly1229Ser). This variant is not present in population databases (gnomAD no frequency). This variant has not been reported in the literature in individuals affected with COL6A3-related conditions. ClinVar contains an entry for this variant (Variation ID: 931817). Invitae Evidence Modeling of protein sequence and biophysical properties (such as structural, functional, and spatial information, amino acid conservation, physicochemical variation, residue mobility, and thermodynamic stability) indicates that this missense variant is not expected to disrupt COL6A3 protein function with a negative predictive value of 80%. In summary, the available evidence is currently insufficient to determine the role of this variant in disease. Therefore, it has been classified as a Variant of Uncertain Significance.

Ambry Genetics
Classification: Uncertain significance for Inborn genetic diseases. Last evaluated: 2025-11-19. Review status: criteria provided, single submitter. Criteria: Ambry Variant Classification Scheme 2023. Collection method: clinical testing. Allele origin: germline.

Centre for Mendelian Genomics, University Medical Centre Ljubljana
Classification: Uncertain significance for Ullrich congenital muscular dystrophy 1A. Last evaluated: 2018-09-25. Review status: criteria provided, single submitter. Criteria: ACMG Guidelines, 2015. Collection method: clinical testing. Allele origin: unknown. Affected: yes.
Comment: This variant was classified as: Uncertain significance. The available evidence favors the benign nature of this variant, however the evidence is insufficent to prove its benign nature. The following ACMG criteria were applied in classifying this variant: BS2,BP7.

NM_004369.4(COL6A3):c.3685G>A (p.Gly1229Ser)

Gene: COL6A3 (collagen type VI alpha 3 chain; minus strand). Cytogenetic location: 2q37.3.
Variant type: single nucleotide variant.
Coding change: c.3685G>A on transcript NM_004369.4 (MANE Select); coding-DNA position 3685, G replaced by A.
Protein change: p.Gly1229Ser; replaces glycine 1229 with serine.
Molecular consequence: missense variant.
Genome position (GRCh38, 1-based): chr2:237,372,332, C>T on the plus strand (G>A on the coding strand, the complement: COL6A3 is on the minus strand). VCF-style: chr2-237372332-C-T. GRCh37 (hg19) VCF-style: chr2-238280975-C-T.
Other names: c.2464G>A, p.Gly822Ser (NM_057164.5); c.3067G>A, p.Gly1023Ser (NM_057165.5, NM_057167.4); c.1864G>A, p.Gly622Ser (NM_057166.5); short protein forms G1023S, G622S, G1229S, G822S.
Identifiers: ClinVar variation 931817 (VCV000931817.7), dbSNP rs1321693848, ClinGen allele CA351199888.